The following is an entry in ClinVar:

NM_144773.4(PROKR2):c.946T>C (p.Tyr316His)

Gene: PROKR2 (prokineticin receptor 2; minus strand). Cytogenetic location: 20p12.3.
Variant type: single nucleotide variant.
Coding change: c.946T>C on transcript NM_144773.4 (MANE Select); coding-DNA position 946, T replaced by C.
Protein change: p.Tyr316His; replaces tyrosine 316 with histidine.
Molecular consequence: missense variant.
Genome position (GRCh38, 1-based): chr20:5,302,249, A>G on the plus strand (T>C on the coding strand, the complement: PROKR2 is on the minus strand). VCF-style: chr20-5302249-A-G. GRCh37 (hg19) VCF-style: chr20-5282895-A-G.
Other names: short protein forms Y316H.
Identifiers: ClinVar variation 2637063 (VCV002637063.1), dbSNP rs2515228167, ClinGen allele CA408166607.
Genomic context (GRCh38, chr20:5,302,249, plus strand): 5'-CCGTCACGAAGCACACGGTGTTGATCATGCTGTTGCTCATGGCGATGCACTCGACCACGT[A>G]GAAGGCAGTGAGGTAGTGCTTTTCCTTCACGAACACAGTGGGGAAGAAGTCACGAACGAT-3'
Protein context (NP_658986.1, residues 306-326): VKEKHYLTAF[Tyr316His]VVECIAMSNS

ClinVar aggregate classification (germline): Uncertain significance (1 of 4 stars; one submission).

Conditions:
PROKR2-related disorder. Also called: PROKR2-related condition.

Submission:

PreventionGenetics, part of Exact Sciences
Classification: Uncertain significance for PROKR2-related condition. Last evaluated: 2022-10-16. Review status: criteria provided, single submitter. Criteria: ACMG Guidelines, 2015. Collection method: clinical testing. Allele origin: germline.
Comment: The PROKR2 c.946T>C variant is predicted to result in the amino acid substitution p.Tyr316His. To our knowledge, this variant has not been reported in the literature or in a large population database, indicating this variant is rare. At this time, the clinical significance of this variant is uncertain due to the absence of conclusive functional and genetic evidence.